The following is an entry in ClinVar:

NM_201596.3(CACNB2):c.1879C>T (p.Arg627Cys)

Gene: CACNB2 (calcium voltage-gated channel auxiliary subunit beta 2; plus strand). Cytogenetic location: 10p12.31.
Variant type: single nucleotide variant.
Coding change: c.1879C>T on transcript NM_201596.3 (MANE Select); coding-DNA position 1879, C replaced by T.
Protein change: p.Arg627Cys; replaces arginine 627 with cysteine.
Molecular consequence: missense variant.
Genome position (GRCh38, 1-based): chr10:18,539,620, C>T. VCF-style: chr10-18539620-C-T. GRCh37 (hg19) VCF-style: chr10-18828549-C-T.
Other names: c.1717C>T (NM_201590.2); c.1714C>T, p.Arg572Cys (NM_000724.4); c.1681C>T, p.Arg561Cys (NM_001167945.2); c.1600C>T, p.Arg534Cys (NM_001330060.2); c.1735C>T, p.Arg579Cys (NM_201570.3); c.1795C>T, p.Arg599Cys (NM_201571.4); c.1723C>T, p.Arg575Cys (NM_201572.4); c.1717C>T, p.Arg573Cys (NM_201590.3); and 2 more; short protein forms R573C, R603C, R534C, R599C, R627C, R561C, R589C, R572C.
Identifiers: ClinVar variation 1476009 (VCV001476009.17), dbSNP rs753259405, ClinGen allele CA5430192.

ClinVar aggregate classification (germline): Uncertain significance. Review status: criteria provided, multiple submitters, no conflicts (2 of 4 stars). 3 submissions from 3 submitters: Uncertain significance (3). Last evaluated 2025-12-21.

Conditions:
Brugada syndrome 4 (BRGDA4). Identifiers: Orphanet 130, MedGen C2678477, MONDO:0012743, OMIM 611876.
Cardiovascular phenotype. Identifiers: MedGen CN230736.

Allele frequency attached by ClinVar (database versions not stated): ExAC 0.00002; gnomAD exomes 0.00002.
gnomAD v4.1: 10 of 1,613,472 alleles (0.00062%); highest among the groups gnomAD compares: East Asian, 0.0067%; no homozygotes.

Submissions (3):

Labcorp Genetics (formerly Invitae), Labcorp
Classification: Uncertain significance for Brugada syndrome 4. Last evaluated: 2025-12-21. Review status: criteria provided, single submitter. Criteria: Invitae Variant Classification Sherloc (09022015). Collection method: clinical testing. Allele origin: germline.
Comment: This sequence change replaces arginine, which is basic and polar, with cysteine, which is neutral and slightly polar, at codon 573 of the CACNB2 protein (p.Arg573Cys). This variant is present in population databases (rs753259405, gnomAD 0.01%). This variant has not been reported in the literature in individuals affected with CACNB2-related conditions. ClinVar contains an entry for this variant (Variation ID: 1476009). An algorithm developed to predict the effect of missense changes on protein structure and function (PolyPhen-2) suggests that this variant is likely to be disruptive. In summary, the available evidence is currently insufficient to determine the role of this variant in disease. Therefore, it has been classified as a Variant of Uncertain Significance.

CeGaT Center for Human Genetics Tuebingen
Classification: Uncertain significance. Last evaluated: 2025-08-01. Review status: criteria provided, single submitter. Criteria: CeGaT Center For Human Genetics Tuebingen Variant Classification Criteria Version 2. Collection method: clinical testing. Allele origin: germline. Affected: yes. Observed: 1 variant allele.

Ambry Genetics
Classification: Uncertain significance for Cardiovascular phenotype. Last evaluated: 2022-11-30. Review status: criteria provided, single submitter. Criteria: Ambry Variant Classification Scheme 2023. Collection method: clinical testing. Allele origin: germline.
Comment: The p.R573C variant (also known as c.1717C>T), located in coding exon 13 of the CACNB2 gene, results from a C to T substitution at nucleotide position 1717. The arginine at codon 573 is replaced by cysteine, an amino acid with highly dissimilar properties. This amino acid position is well conserved in available vertebrate species. In addition, the in silico prediction for this alteration is inconclusive. The evidence for this gene-disease relationship is limited; therefore, the clinical significance of this alteration is unclear.